The following is an entry in ClinVar:

ClinVar aggregate classification (germline): Uncertain significance (1 of 4 stars; one submission).

Conditions:
Cardiovascular phenotype. Identifiers: MedGen CN230736.

Submission:

Ambry Genetics
Classification: Uncertain significance for Cardiovascular phenotype. Last evaluated: 2026-09-11. Review status: criteria provided, single submitter. Criteria: Ambry Variant Classification Scheme 2023. Collection method: clinical testing. Allele origin: germline.
Comment: The p.L4559V variant (also known as c.13675C>G), located in coding exon 29 of the APOB gene, results from a C to G substitution at nucleotide position 13675. The leucine at codon 4559 is replaced by valine, an amino acid with highly similar properties. This amino acid position is conserved. In addition, this alteration is predicted to be tolerated by in silico analysis. Based on the available evidence, the clinical significance of this variant remains unclear.

NM_000384.3(APOB):c.13675C>G (p.Leu4559Val)

Genes: APOB (apolipoprotein B; minus strand), APOB3'MAR (APOB 3' scaffold/matrix attachment region; plus strand). Cytogenetic location: 2p24.1.
Variant type: single nucleotide variant.
Coding change: c.13675C>G on transcript NM_000384.3 (MANE Select); coding-DNA position 13675, C replaced by G.
Protein change: p.Leu4559Val; replaces leucine 4559 with valine.
Molecular consequence: missense variant.
Genome position (GRCh38, 1-based): chr2:21,001,747, G>C on the plus strand (C>G on the coding strand, the complement: APOB is on the minus strand). VCF-style: chr2-21001747-G-C. GRCh37 (hg19) VCF-style: chr2-21224619-G-C.
Other names: short protein forms L4559V.
Identifiers: ClinVar variation 3933779 (VCV003933779.2).